The following is an entry in ClinVar:

NM_005359.6(SMAD4):c.1257G>A (p.Gly419=)

Gene: SMAD4 (SMAD family member 4; plus strand). Cytogenetic location: 18q21.2.
Variant type: single nucleotide variant.
Coding change: c.1257G>A on transcript NM_005359.6 (MANE Select); coding-DNA position 1257, G replaced by A.
Protein change: p.Gly419=; no amino-acid change (glycine 419 retained).
Molecular consequence: synonymous variant. On other transcripts: non-coding transcript variant (1).
Genome position (GRCh38, 1-based): chr18:51,067,136, G>A. VCF-style: chr18-51067136-G-A. GRCh37 (hg19) VCF-style: chr18-48593506-G-A.
Other names: c.1257G>A, p.Gly419= (NM_001407041.1, NM_001407042.1).
Identifiers: ClinVar variation 3903485 (VCV003903485.2).
Genomic context (GRCh38, chr18:51,067,136, plus strand): 5'-CAGGTGCCTTAGTGACCACGCGGTCTTTGTACAGAGTTACTACTTAGACAGAGAAGCTGG[G>A]CGTGCACCTGGAGATGCTGTTCATAAGATCTACCCAAGTGCATATATAAAGGTTAGTTAC-3'
Protein context (NP_005350.1, residues 409-429): VQSYYLDREA[Gly419=]RAPGDAVHKI

ClinVar aggregate classification (germline): Benign/Likely benign. Review status: criteria provided, multiple submitters, no conflicts (2 of 4 stars). 2 submissions from 2 submitters: Benign (1); Likely benign (1). Last evaluated 2025-09-04.

Conditions:
Juvenile polyposis/hereditary hemorrhagic telangiectasia syndrome (JPHT). Also called: JP/HHT SYNDROME; JUVENILE POLYPOSIS WITH HEREDITARY HEMORRHAGIC TELANGIECTASIA; POLYPOSIS, GENERALIZED JUVENILE, WITH PULMONARY ARTERIOVENOUS MALFORMATION; TELANGIECTASIA, HEREDITARY HEMORRHAGIC, WITH JUVENILE POLYPOSIS COLI; Juvenile Polyposis Syndrome / Hereditary Hemorrhagic Telangiectasia (JPS/HHT). Identifiers: Orphanet 2929, MedGen C1832942, MONDO:0008278, OMIM 175050.
Familial thoracic aortic aneurysm and aortic dissection (TAAD). Also called: Thoracic aortic aneurysms and dissections. Identifiers: Orphanet 91387, MedGen C4707243, MONDO:0019625.
Hereditary cancer-predisposing syndrome. Also called: Neoplastic Syndromes, Hereditary; Tumor predisposition; Hereditary neoplastic syndrome; Hereditary Cancer Syndrome. Identifiers: Orphanet 140162, MedGen C0027672, MeSH D009386, MONDO:0015356.

Submissions (2):

Ambry Genetics
Classification: Likely benign for Hereditary cancer-predisposing syndrome; Familial thoracic aortic aneurysm and aortic dissection. Last evaluated: 2025-09-04. Review status: criteria provided, single submitter. Criteria: Ambry Variant Classification Scheme 2023. Collection method: clinical testing. Allele origin: germline.

Myriad Genetics, Inc.
Classification: Benign for Juvenile polyposis/hereditary hemorrhagic telangiectasia syndrome. Last evaluated: 2025-03-21. Review status: criteria provided, single submitter. Criteria: Myriad Autosomal Dominant, Autosomal Recessive and X-Linked Classification Criteria (2023). Collection method: clinical testing. Allele origin: unknown.
Comment: This variant is considered benign. This variant is a silent/synonymous amino acid change and it is not expected to impact splicing.